The following is an entry in ClinVar:

ClinVar aggregate classification (germline): Uncertain significance (1 of 4 stars; one submission).

Conditions:
Inborn genetic diseases. Identifiers: MedGen C0950123, MeSH D030342.

Submission:

Ambry Genetics
Classification: Uncertain significance for Inborn genetic diseases. Last evaluated: 2026-03-08. Review status: criteria provided, single submitter. Criteria: Ambry Variant Classification Scheme 2023. Collection method: clinical testing. Allele origin: germline.
Comment: The p.G30A variant (also known as c.89G>C), located in coding exon 1 of the KDM1A gene, results from a G to C substitution at nucleotide position 89. The glycine at codon 30 is replaced by alanine, an amino acid with similar properties. This amino acid position is conserved. In addition, this alteration is predicted to be tolerated by in silico analysis. Based on the available evidence, the clinical significance of this variant remains unclear.

NM_001009999.3(KDM1A):c.89G>C (p.Gly30Ala)

Gene: KDM1A (lysine demethylase 1A; plus strand). Cytogenetic location: 1p36.12.
Variant type: single nucleotide variant.
Coding change: c.89G>C on transcript NM_001009999.3 (MANE Select); coding-DNA position 89, G replaced by C.
Protein change: p.Gly30Ala; replaces glycine 30 with alanine.
Molecular consequence: missense variant.
Genome position (GRCh38, 1-based): chr1:23,019,685, G>C. VCF-style: chr1-23019685-G-C. GRCh37 (hg19) VCF-style: chr1-23346178-G-C.
Other names: c.89G>C, p.Gly30Ala (NM_001363654.2, NM_001410762.1, NM_001410763.1 and 1 more transcripts); short protein forms G30A.
Identifiers: ClinVar variation 4826120 (VCV004826120.1).